The following is an entry in ClinVar:

ClinVar aggregate classification (germline): Likely pathogenic (1 of 4 stars; one submission).

Conditions:
Intellectual developmental disorder with microcephaly and with or without ocular malformations or hypogonadotropic hypogonadism. Also called: Intellectual disability, autosomal dominant 27; Coffin-Siris Syndrome 9. Identifiers: Orphanet 1465, MedGen C4014528, MONDO:0014376, OMIM 615866.

Submission:

SIB Swiss Institute of Bioinformatics
Classification: Likely pathogenic for Intellectual developmental disorder with microcephaly and with or without ocular malformations or hypogonadotropic hypogonadism. Last evaluated: 2023-03-09. Review status: criteria provided, single submitter. Criteria: ACMG Guidelines, 2015. Collection method: curation. Allele origin: unknown.
Comment: This variant is interpreted as likely pathogenic for Intellectual developmental disorder with microcephaly and with or without ocular malformations or hypogonadotropic hypogonadism, autosomal dominant. The following ACMG Tag(s) were applied: Absent from controls (or at extremely low frequency if recessive) in Exome Sequencing Project, 1000 Genomes Project, or Exome Aggregation Consortium (PM2); De novo paternity and maternity not confirmed (PM6); Located in a mutational hot spot and/or critical and well-established functional domain (e.g., active site of an enzyme) without benign variation (PM1); Novel missense change at an amino acid residue where a different missense change determined to be pathogenic has been seen before (PM5); Multiple lines of computational evidence support a deleterious effect on the gene or gene product (PP3).

Literature cited by the submitters: PubMed 35341651.

NM_003108.4(SOX11):c.152G>T (p.Arg51Leu)

Gene: SOX11 (SRY-box transcription factor 11; plus strand). Cytogenetic location: 2p25.2.
Variant type: single nucleotide variant.
Coding change: c.152G>T on transcript NM_003108.4 (MANE Select); coding-DNA position 152, G replaced by T.
Protein change: p.Arg51Leu; replaces arginine 51 with leucine.
Molecular consequence: missense variant.
Genome position (GRCh38, 1-based): chr2:5,692,873, G>T. VCF-style: chr2-5692873-G-T. GRCh37 (hg19) VCF-style: chr2-5833005-G-T.
Other names: short protein forms R51L.
Identifiers: ClinVar variation 2443008 (VCV002443008.1), dbSNP rs2103276330, ClinGen allele CA345866054.
Genomic context (GRCh38, chr2:5,692,873, plus strand): 5'-CGGTGGCCCTGGACGAGAGCGACCCAGACTGGTGCAAGACGGCGTCGGGCCACATCAAGC[G>T]GCCGATGAACGCGTTCATGGTATGGTCCAAGATCGAACGCAGGAAGATCATGGAGCAGTC-3'
Protein context (NP_003099.1, residues 41-61): WCKTASGHIK[Arg51Leu]PMNAFMVWSK